The following is an entry in ClinVar:

NM_006164.5(NFE2L2):c.402+8A>G

Gene: NFE2L2 (NFE2 like bZIP transcription factor 2; minus strand). Cytogenetic location: 2q31.2.
Variant type: single nucleotide variant.
Coding change: c.402+8A>G on transcript NM_006164.5 (MANE Select); 8 bases into the intron after coding-DNA position 402, A replaced by G.
Molecular consequence: intron variant.
Genome position (GRCh38, 1-based): chr2:177,233,242, T>C on the plus strand (A>G on the coding strand, the complement: NFE2L2 is on the minus strand). VCF-style: chr2-177233242-T-C. GRCh37 (hg19) VCF-style: chr2-178097970-T-C.
Other names: c.354+8A>G (NM_001313900.1, NM_001313901.1, NM_001145413.3 and 1 more transcripts); c.102+8A>G (NM_001313904.1); c.183+8A>G (NM_001313903.2); c.313-659A>G (NM_001313902.2).
Identifiers: ClinVar variation 135572 (VCV000135572.8), dbSNP rs374195236, ClinGen allele CA163021.

ClinVar aggregate classification (germline): Likely benign. Review status: criteria provided, single submitter (1 of 4 stars). 2 submissions from 2 submitters: Likely benign (1). 1 of the submissions does not count toward it. Last evaluated 2026-01-13.

Allele frequency attached by ClinVar (database versions not stated): gnomAD exomes 0.00002 and 0.00003; ExAC 0.00003; ESP Exome Variant Server 0.00008; gnomAD 0.00027 and 0.00031; TOPMed 0.00030.
gnomAD v4.1: 67 of 1,580,858 alleles (0.0042%); highest among the groups gnomAD compares: African/African-American, 0.086%; no homozygotes.

Submissions (2):

Labcorp Genetics (formerly Invitae), Labcorp
Classification: Likely benign. Last evaluated: 2026-01-13. Review status: criteria provided, single submitter. Criteria: Invitae Variant Classification Sherloc (09022015). Collection method: clinical testing. Allele origin: germline.

ITMI
No classification provided. Condition: AllHighlyPenetrant. Last evaluated: 2013-09-19. Review status: no classification provided. Collection method: reference population. Allele origin: germline. Not counted in ClinVar's aggregate classification.
Comment: Please see associated publication for description of ethnicities

Literature cited by the submitters: PubMed 24728327 (cited by ITMI).